The following is an entry in ClinVar:

ClinVar aggregate classification (germline): Benign (1 of 4 stars; one submission).

Allele frequency attached by ClinVar (database versions not stated): gnomAD exomes 0.00225; gnomAD 0.02308 and 0.02456; TOPMed 0.02585; 1000 Genomes Project 0.02855; 1000 Genomes Project 30x 0.03107.
gnomAD v4.1: 6,781 of 1,541,598 alleles (0.44%); highest among the groups gnomAD compares: African/African-American, 7.9%; 280 homozygotes.

Submission:

GeneDx
Classification: Benign. Last evaluated: 2018-06-14. Review status: criteria provided, single submitter. Criteria: GeneDx Variant Classification (06012015). Collection method: clinical testing. Allele origin: germline. Affected: yes.
Comment: This variant is considered likely benign or benign based on one or more of the following criteria: it is a conservative change, it occurs at a poorly conserved position in the protein, it is predicted to be benign by multiple in silico algorithms, and/or has population frequency not consistent with disease.

NM_001844.5(COL2A1):c.3328-89T>G

Gene: COL2A1 (collagen type II alpha 1 chain; minus strand). Cytogenetic location: 12q13.11.
Variant type: single nucleotide variant.
Coding change: c.3328-89T>G on transcript NM_001844.5 (MANE Select); 89 bases into the intron before coding-DNA position 3328, T replaced by G.
Molecular consequence: intron variant.
Genome position (GRCh38, 1-based): chr12:47,977,008, A>C on the plus strand (T>G on the coding strand, the complement: COL2A1 is on the minus strand). VCF-style: chr12-47977008-A-C. GRCh37 (hg19) VCF-style: chr12-48370791-A-C.
Other names: c.3121-89T>G (NM_033150.3).
Identifiers: ClinVar variation 676705 (VCV000676705.1), dbSNP rs41272757, ClinGen allele CA236520743.
Genomic context (GRCh38, chr12:47,977,008, plus strand): 5'-CAGGTCAGGGCCAGGACAGGAGCCCCCTCCTGTCCCACCCAAGCTGAGGAATCCCCGGAA[A>C]CACAGGGCTGGAGGCCCAGGAACCACCTGGAGGCTGGCTGCCCTCCCAGCCTATCCCTGG-3'